The following is an entry in ClinVar:

NM_006642.5(SDCCAG8):c.1966C>A (p.His656Asn)

Gene: SDCCAG8 (SHH signaling and ciliogenesis regulator SDCCAG8; plus strand). Cytogenetic location: 1q43.
Variant type: single nucleotide variant.
Coding change: c.1966C>A on transcript NM_006642.5 (MANE Select); coding-DNA position 1966, C replaced by A.
Protein change: p.His656Asn; replaces histidine 656 with asparagine.
Molecular consequence: missense variant.
Genome position (GRCh38, 1-based): chr1:243,426,539, C>A. VCF-style: chr1-243426539-C-A. GRCh37 (hg19) VCF-style: chr1-243589841-C-A.
Other names: c.1063C>A, p.His355Asn (NM_001350246.2, NM_001350247.2, NM_001350251.2); c.2062C>A, p.His688Asn (NM_001350248.2); c.1672C>A, p.His558Asn (NM_001350249.2); short protein forms H558N, H688N, H355N, H656N.
Identifiers: ClinVar variation 1373328 (VCV001373328.6), dbSNP rs1262692904, ClinGen allele CA345667892.

ClinVar aggregate classification (germline): Uncertain significance (1 of 4 stars; one submission).

Conditions:
Bardet-Biedl syndrome 16 (BBS16). Identifiers: Orphanet 110, MedGen C3889474, MONDO:0014444, OMIM 615993.
Senior-Loken syndrome 7 (SLSN7). Identifiers: Orphanet 3156, MedGen C3150877, MONDO:0013326, OMIM 613615.

Allele frequency attached by ClinVar (database versions not stated): TOPMed below 0.00001.

Submission:

Labcorp Genetics (formerly Invitae), Labcorp
Classification: Uncertain significance for Bardet-Biedl syndrome 16; Senior-Loken syndrome 7. Last evaluated: 2022-03-10. Review status: criteria provided, single submitter. Criteria: Invitae Variant Classification Sherloc (09022015). Collection method: clinical testing. Allele origin: germline.
Comment: In summary, the available evidence is currently insufficient to determine the role of this variant in disease. Therefore, it has been classified as a Variant of Uncertain Significance. Algorithms developed to predict the effect of missense changes on protein structure and function are either unavailable or do not agree on the potential impact of this missense change (SIFT: "Tolerated"; PolyPhen-2: "Probably Damaging"; Align-GVGD: "Class C0"). This variant has not been reported in the literature in individuals affected with SDCCAG8-related conditions. This variant is not present in population databases (gnomAD no frequency). This sequence change replaces histidine, which is basic and polar, with asparagine, which is neutral and polar, at codon 656 of the SDCCAG8 protein (p.His656Asn).